The following is an entry in ClinVar:

NM_030665.4(RAI1):c.1995G>A (p.Glu665=)

Gene: RAI1 (retinoic acid induced 1; plus strand). Cytogenetic location: 17p11.2.
Variant type: single nucleotide variant.
Coding change: c.1995G>A on transcript NM_030665.4 (MANE Select); coding-DNA position 1995, G replaced by A.
Protein change: p.Glu665=; no amino-acid change (glutamic acid 665 retained).
Molecular consequence: synonymous variant.
Genome position (GRCh38, 1-based): chr17:17,794,943, G>A. VCF-style: chr17-17794943-G-A. GRCh37 (hg19) VCF-style: chr17-17698257-G-A.
Identifiers: ClinVar variation 4999750 (VCV004999750.1).

ClinVar aggregate classification (germline): Likely benign (1 of 4 stars; one submission).

Conditions:
RAI1-related disorder. Also called: RAI1-related condition.

Submission:

PreventionGenetics, part of Exact Sciences
Classification: Likely benign for RAI1-related condition. Last evaluated: 2024-10-26. Review status: criteria provided, single submitter. Criteria: ACMG Guidelines, 2015. Collection method: clinical testing. Allele origin: germline.
Comment: This variant is classified as likely benign based on ACMG/AMP sequence variant interpretation guidelines (Richards et al. 2015 PMID: 25741868, with internal and published modifications).